The following is an entry in ClinVar:

ClinVar aggregate classification (germline): Uncertain significance (1 of 4 stars; one submission).

Submission:

CeGaT Center for Human Genetics Tuebingen
Classification: Uncertain significance. Last evaluated: 2025-06-01. Review status: criteria provided, single submitter. Criteria: CeGaT Center For Human Genetics Tuebingen Variant Classification Criteria Version 2. Collection method: clinical testing. Allele origin: germline. Affected: yes. Observed: 1 variant allele.
Comment: NIPBL: PM2:Supporting, BP4

NM_133433.4(NIPBL):c.8334A>G (p.Leu2778=)

Gene: NIPBL (NIPBL cohesin loading factor; plus strand). Cytogenetic location: 5p13.2.
Variant type: single nucleotide variant.
Coding change: c.8334A>G on transcript NM_133433.4 (MANE Select); coding-DNA position 8334, A replaced by G.
Protein change: p.Leu2778=; no amino-acid change (leucine 2778 retained).
Molecular consequence: synonymous variant. On other transcripts: 3 prime UTR variant (1).
Genome position (GRCh38, 1-based): chr5:37,064,811, A>G. VCF-style: chr5-37064811-A-G. GRCh37 (hg19) VCF-style: chr5-37064913-A-G.
Other names: c.*788A>G (NM_015384.5).
Identifiers: ClinVar variation 3906088 (VCV003906088.10).
Genomic context (GRCh38, chr5:37,064,811, plus strand): 5'-ACTGGTGCCTTGGGTAGACACTATTAAAGAGTCAGACATTATTTACAAAAAAATTGCTCT[A>G]ACGAGTGCTAATAAGCTGACTAATAAAGTTGTTCAGACTTTACGATCCCTGTATGCCGCC-3'
Protein context (NP_597677.2, residues 2768-2788): ESDIIYKKIA[Leu2778=]TSANKLTNKV